The following is an entry in ClinVar:

ClinVar aggregate classification (germline): Uncertain significance (1 of 4 stars; one submission).

Allele frequency attached by ClinVar (database versions not stated): gnomAD exomes below 0.00001; TOPMed below 0.00001.
gnomAD v4.1: 2 of 1,614,190 alleles (0.00012%); highest among the groups gnomAD compares: Non-Finnish European, 0.00017%; no homozygotes.

Submission:

Labcorp Genetics (formerly Invitae), Labcorp
Classification: Uncertain significance. Last evaluated: 2023-02-28. Review status: criteria provided, single submitter. Criteria: Invitae Variant Classification Sherloc (09022015). Collection method: clinical testing. Allele origin: germline.
Comment: This sequence change replaces isoleucine, which is neutral and non-polar, with leucine, which is neutral and non-polar, at codon 699 of the AUTS2 protein (p.Ile699Leu). This variant is not present in population databases (gnomAD no frequency). This variant has not been reported in the literature in individuals affected with AUTS2-related conditions. Advanced modeling of protein sequence and biophysical properties (such as structural, functional, and spatial information, amino acid conservation, physicochemical variation, residue mobility, and thermodynamic stability) performed at Invitae indicates that this missense variant is not expected to disrupt AUTS2 protein function. Algorithms developed to predict the effect of sequence changes on RNA splicing suggest that this variant may disrupt the consensus splice site. In summary, the available evidence is currently insufficient to determine the role of this variant in disease. Therefore, it has been classified as a Variant of Uncertain Significance.

NM_015570.4(AUTS2):c.2095A>C (p.Ile699Leu)

Gene: AUTS2 (activator of transcription and developmental regulator AUTS2; plus strand). Cytogenetic location: 7q11.22.
Variant type: single nucleotide variant.
Coding change: c.2095A>C on transcript NM_015570.4 (MANE Select); coding-DNA position 2095, A replaced by C.
Protein change: p.Ile699Leu; replaces isoleucine 699 with leucine.
Molecular consequence: missense variant.
Genome position (GRCh38, 1-based): chr7:70,781,705, A>C. VCF-style: chr7-70781705-A-C. GRCh37 (hg19) VCF-style: chr7-70246691-A-C.
Other names: c.2023A>C, p.Ile675Leu (NM_001127231.3); short protein forms I699L, I675L.
Identifiers: ClinVar variation 2806917 (VCV002806917.3), dbSNP rs1791095054, ClinGen allele CA367663189.
Genomic context (GRCh38, chr7:70,781,705, plus strand): 5'-GACTTTGGACTGAAACCTGAGTTCCTGAGCCGCCCTCCAGGCCCCAGTCTTTTTGGAGCC[A>C]TCCACCACCCCCATGACCTGGCACGGCCTTCAACTTTGTTCTCTGCCGCTGGTGAGTGTG-3'
Protein context (NP_056385.1, residues 689-709): RPPGPSLFGA[Ile699Leu]HHPHDLARPS